The following is an entry in ClinVar:

NM_145046.5(CALR3):c.125A>G (p.Asn42Ser)

Gene: CALR3 (calreticulin 3; minus strand). Cytogenetic location: 19p13.11.
Variant type: single nucleotide variant.
Coding change: c.125A>G on transcript NM_145046.5 (MANE Select); coding-DNA position 125, A replaced by G.
Protein change: p.Asn42Ser; replaces asparagine 42 with serine.
Molecular consequence: missense variant.
Genome position (GRCh38, 1-based): chr19:16,495,819, T>C on the plus strand (A>G on the coding strand, the complement: CALR3 is on the minus strand). VCF-style: chr19-16495819-T-C. GRCh37 (hg19) VCF-style: chr19-16606630-T-C.
Other names: short protein forms N42S.
Identifiers: ClinVar variation 241949 (VCV000241949.23), dbSNP rs149634686, ClinGen allele CA9278506.

ClinVar aggregate classification (germline): Benign/Likely benign. Review status: criteria provided, multiple submitters, no conflicts (2 of 4 stars). 9 submissions from 9 submitters: Benign (1); Likely benign (5). 3 of the submissions do not count toward it. Last evaluated 2026-01-22.

Conditions:
CALR3-related disorder. Also called: CALR3-related condition.
Hypertrophic cardiomyopathy 19. Also called: Familial hypertrophic cardiomyopathy 19. Identifiers: MedGen CN077603, MONDO:0013476.

Allele frequency attached by ClinVar (database versions not stated): ESP Exome Variant Server 0.00138; 1000 Genomes Project 30x 0.00172; 1000 Genomes Project 0.00180; gnomAD exomes 0.00013 and 0.00035; ExAC 0.00042; gnomAD 0.00113 and 0.00123; TOPMed 0.00129.
gnomAD v4.1: 373 of 1,614,076 alleles (0.023%); highest among the groups gnomAD compares: African/African-American, 0.44%; no homozygotes.

Submissions (9):

Labcorp Genetics (formerly Invitae), Labcorp
Classification: Benign for Hypertrophic cardiomyopathy 19. Last evaluated: 2026-01-22. Review status: criteria provided, single submitter. Criteria: Invitae Variant Classification Sherloc (09022015). Collection method: clinical testing. Allele origin: germline.

Women's Health and Genetics/Laboratory Corporation of America, LabCorp
Classification: Likely benign. Last evaluated: 2024-02-26. Review status: criteria provided, single submitter. Criteria: LabCorp Variant Classification Summary - May 2015. Collection method: clinical testing. Allele origin: germline.

Blueprint Genetics
Classification: Likely benign. Last evaluated: 2024-02-15. Review status: criteria provided, single submitter. Criteria: ACMG Guidelines, 2015. Collection method: clinical testing. Allele origin: germline.

Genome Diagnostics Laboratory, University Medical Center Utrecht
Classification: Likely benign for Hypertrophic cardiomyopathy 1. Last evaluated: 2016-09-08. Review status: criteria provided, single submitter. Criteria: ACGS Guidelines, 2013. Collection method: clinical testing. Allele origin: germline. Affected: yes. Study: VKGL Data-share Consensus.

Clinical Genetics DNA and cytogenetics Diagnostics Lab, Erasmus MC, Erasmus Medical Center
Classification: Likely benign for Hypertrophic cardiomyopathy 1. Last evaluated: 2015-09-21. Review status: criteria provided, single submitter. Criteria: ACGS Guidelines, 2013. Collection method: clinical testing. Allele origin: germline. Affected: yes. Study: VKGL Data-share Consensus.

Breakthrough Genomics
Classification: Likely benign. Review status: criteria provided, single submitter. Criteria: ACMG Guidelines, 2015. Collection method: not provided. Allele origin: germline. Inheritance: Unknown mechanism. Affected: yes.

PreventionGenetics, part of Exact Sciences
Classification: Likely benign for CALR3-related condition. Last evaluated: 2022-02-24. Review status: no assertion criteria provided. Collection method: clinical testing. Allele origin: germline. Not counted in ClinVar's aggregate classification.
Comment: This variant is classified as likely benign based on ACMG/AMP sequence variant interpretation guidelines (Richards et al. 2015 PMID: 25741868, with internal and published modifications).

Clinical Genetics, Academic Medical Center
Classification: Benign. Review status: no assertion criteria provided. Collection method: clinical testing. Allele origin: germline. Affected: yes. Study: VKGL Data-share Consensus. Not counted in ClinVar's aggregate classification.

Joint Genome Diagnostic Labs from Nijmegen and Maastricht, Radboudumc and MUMC+
Classification: Likely benign. Review status: no assertion criteria provided. Collection method: clinical testing. Allele origin: germline. Affected: yes. Study: VKGL Data-share Consensus. Not counted in ClinVar's aggregate classification.